The following is an entry in ClinVar:

NM_001080414.4(CCDC88C):c.5575G>T (p.Glu1859Ter)

Gene: CCDC88C (coiled-coil and HOOK domain protein 88C; minus strand). Cytogenetic location: 14q32.11.
Variant type: single nucleotide variant.
Coding change: c.5575G>T on transcript NM_001080414.4 (MANE Select); coding-DNA position 5575, G replaced by T.
Protein change: p.Glu1859Ter; replaces glutamic acid 1859 with a stop codon.
Molecular consequence: nonsense.
Genome position (GRCh38, 1-based): chr14:91,273,137, C>A on the plus strand (G>T on the coding strand, the complement: CCDC88C is on the minus strand). VCF-style: chr14-91273137-C-A. GRCh37 (hg19) VCF-style: chr14-91739481-C-A.
Other names: short protein forms E1859*.
Identifiers: ClinVar variation 2706303 (VCV002706303.3), dbSNP rs2544239154, ClinGen allele CA390609350.
Genomic context (GRCh38, chr14:91,273,137, plus strand): 5'-GGCTGCGGGGACCTGGGCCCTGACAGGAGCTGCCAGCCTTTCCCACAAGTGGGGTCCGCT[C>A]CCGGGCCAGGCTATGGGAGCTGGGGGGTGCGGGGCTTTGCAGGGTGTGGCTGCCTGTCTC-3'

ClinVar aggregate classification (germline): Pathogenic (1 of 4 stars; one submission).

Submission:

Labcorp Genetics (formerly Invitae), Labcorp
Classification: Pathogenic. Last evaluated: 2023-12-29. Review status: criteria provided, single submitter. Criteria: Invitae Variant Classification Sherloc (09022015). Collection method: clinical testing. Allele origin: germline.
Comment: This sequence change creates a premature translational stop signal (p.Glu1859*) in the CCDC88C gene. While this is not anticipated to result in nonsense mediated decay, it is expected to disrupt the last 170 amino acid(s) of the CCDC88C protein. This variant is not present in population databases (gnomAD no frequency). This variant has not been reported in the literature in individuals affected with CCDC88C-related conditions. This variant disrupts a region of the CCDC88C protein in which other variant(s) (p.Glu1949Glyfs*26) have been determined to be pathogenic (PMID: 23042809). This suggests that this is a clinically significant region of the protein, and that variants that disrupt it are likely to be disease-causing. For these reasons, this variant has been classified as Pathogenic.

Literature cited by the submitters: PubMed 23042809.